The following is an entry in ClinVar:

ClinVar aggregate classification (germline): Uncertain significance. Review status: criteria provided, multiple submitters, no conflicts (2 of 4 stars). 2 submissions from 2 submitters: Uncertain significance (2). Last evaluated 2025-04-24.

Conditions:
Inborn genetic diseases. Identifiers: MedGen C0950123, MeSH D030342.

gnomAD v4.1: 5 of 1,551,598 alleles (0.00032%); highest among the groups gnomAD compares: Admixed American, 0.0078%; no homozygotes.

Submissions (2):

Mayo Clinic Laboratories, Mayo Clinic
Classification: Uncertain significance. Last evaluated: 2025-04-24. Review status: criteria provided, single submitter. Criteria: ACMG Guidelines, 2015. Collection method: clinical testing. Allele origin: germline. Observed: 1 variant allele.
Comment: PM2_supporting

Ambry Genetics
Classification: Uncertain significance for Inborn genetic diseases. Last evaluated: 2025-04-13. Review status: criteria provided, single submitter. Criteria: Ambry Variant Classification Scheme 2023. Collection method: clinical testing. Allele origin: germline.

NM_015631.6(TCTN3):c.71C>T (p.Pro24Leu)

Genes: TCTN3 (tectonic family member 3; minus strand), LOC130004408 (ATAC-STARR-seq lymphoblastoid active region 3801; plus strand). Cytogenetic location: 10q24.1.
Variant type: single nucleotide variant.
Coding change: c.71C>T on transcript NM_015631.6 (MANE Select); coding-DNA position 71, C replaced by T.
Protein change: p.Pro24Leu; replaces proline 24 with leucine.
Molecular consequence: missense variant.
Genome position (GRCh38, 1-based): chr10:95,693,829, G>A on the plus strand (C>T on the coding strand, the complement: TCTN3 is on the minus strand). VCF-style: chr10-95693829-G-A. GRCh37 (hg19) VCF-style: chr10-97453586-G-A.
Other names: p.Pro24Leu; c.71C>T, p.Pro24Leu (NM_001143973.2, NM_001410982.1); short protein forms P24L.
Identifiers: ClinVar variation 3966687 (VCV003966687.2).
Genomic context (GRCh38, chr10:95,693,829, plus strand): 5'-CCATCCGTCCCTCGCTGCAGCTCCAAAGACGTGGGCACTGCCCCTGATGGGGAGGAAGAG[G>A]GCTGAGGCCGGACGCCATCGGGGAACACCAGAAAGAACACTTGCAGGAGCGCGAGCTGTG-3'
Protein context (NP_056446.4, residues 14-34): LVFPDGVRPQ[Pro24Leu]SSSPSGAVPT